The following is an entry in ClinVar:

ClinVar aggregate classification (germline): Likely pathogenic. Review status: criteria provided, multiple submitters, no conflicts (2 of 4 stars). 2 submissions from 2 submitters: Likely pathogenic (2). Last evaluated 2025-08-16.

Conditions:
Glutaric aciduria, type 1. Also called: Glutaric Acidemia Type 1; Glutaric acidemia type I; Glutaricacidemia Type 1; Glutaryl-CoA dehydrogenase deficiency; GA I; Glutaricaciduria, type I. Identifiers: Orphanet 25, MedGen C0268595, MONDO:0009281, OMIM 231670.

Allele frequency attached by ClinVar (database versions not stated): TOPMed below 0.00001.

Submissions (2):

GeneDx
Classification: Likely pathogenic. Last evaluated: 2025-08-16. Review status: criteria provided, single submitter. Criteria: GeneDx Variant Classification Process June 2021. Collection method: clinical testing. Allele origin: germline. Affected: yes.
Comment: Not observed at significant frequency in large population cohorts (gnomAD); In silico analysis supports that this missense variant has a deleterious effect on protein structure/function; Has not been previously published as pathogenic or benign to our knowledge; This variant is associated with the following publications: (PMID: 37020324)

Labcorp Genetics (formerly Invitae), Labcorp
Classification: Likely pathogenic for Glutaric aciduria, type 1. Last evaluated: 2021-07-02. Review status: criteria provided, single submitter. Criteria: Invitae Variant Classification Sherloc (09022015). Collection method: clinical testing. Allele origin: germline.
Comment: This variant has not been reported in the literature in individuals affected with GCDH-related conditions. Advanced modeling of protein sequence and biophysical properties (such as structural, functional, and spatial information, amino acid conservation, physicochemical variation, residue mobility, and thermodynamic stability) performed at Invitae indicates that this missense variant is expected to disrupt GCDH protein function. This variant disrupts the p.Tyr113 amino acid residue in GCDH. Other variant(s) that disrupt this residue have been determined to be pathogenic (PMID: 10699052, 19433437, 28062662). This suggests that this residue is clinically significant, and that variants that disrupt this residue are likely to be disease-causing. In summary, the currently available evidence indicates that the variant is pathogenic, but additional data are needed to prove that conclusively. Therefore, this variant has been classified as Likely Pathogenic. This variant is not present in population databases (ExAC no frequency). This sequence change replaces tyrosine with cysteine at codon 113 of the GCDH protein (p.Tyr113Cys). The tyrosine residue is highly conserved and there is a large physicochemical difference between tyrosine and cysteine.

Literature cited by the submitters: PubMed 10699052 (cited by Labcorp Genetics (formerly Invitae), Labcorp); PubMed 19433437 (cited by Labcorp Genetics (formerly Invitae), Labcorp); PubMed 28062662 (cited by Labcorp Genetics (formerly Invitae), Labcorp).

NM_000159.4(GCDH):c.338A>G (p.Tyr113Cys)

Gene: GCDH (glutaryl-CoA dehydrogenase; plus strand). Cytogenetic location: 19p13.13.
Variant type: single nucleotide variant.
Coding change: c.338A>G on transcript NM_000159.4 (MANE Select); coding-DNA position 338, A replaced by G.
Protein change: p.Tyr113Cys; replaces tyrosine 113 with cysteine.
Molecular consequence: missense variant. On other transcripts: non-coding transcript variant (2).
Genome position (GRCh38, 1-based): chr19:12,893,486, A>G. VCF-style: chr19-12893486-A-G. GRCh37 (hg19) VCF-style: chr19-13004300-A-G.
Other names: c.338A>G (NM_000159.2); c.338A>G, p.Tyr113Cys (NM_013976.5); short protein forms Y113C.
Identifiers: ClinVar variation 1469596 (VCV001469596.8), dbSNP rs1970602621, ClinGen allele CA404316751.